The following is an entry in ClinVar:

ClinVar aggregate classification (germline): Likely pathogenic (1 of 4 stars; one submission).

Conditions:
Autosomal dominant non-syndromic intellectual disability. Identifiers: Orphanet 178469, MedGen C5680502, MONDO:0015802.

Submission:

Department of Human Genetics, University Hospital Bern, Inselspital
Classification: Likely pathogenic for Autosomal dominant non-syndromic intellectual disability. Last evaluated: 2026-03-23. Review status: criteria provided, single submitter. Criteria: ACMG Guidelines, 2015. Collection method: research. Allele origin: de novo. Affected: yes.
Comment: The missense variant affects a highly conserved amino acid in the important LIM interacting domain and is predicted to have a damaging effect by AlphaMissense and REVEL. Functional assays showed that it impairs interaction with LIM proteins in a dominant negative manner. In summary, criteria PS3, PS2_Supporting, PM2_Supporting, and PP3 were used.

NM_001113407.3(LDB1):c.1075A>C (p.Thr359Pro)

Gene: LDB1 (LIM domain binding 1; minus strand). Cytogenetic location: 10q24.32.
Variant type: single nucleotide variant.
Coding change: c.1075A>C on transcript NM_001113407.3 (MANE Select); coding-DNA position 1075, A replaced by C.
Protein change: p.Thr359Pro; replaces threonine 359 with proline.
Molecular consequence: missense variant.
Genome position (GRCh38, 1-based): chr10:102,108,254, T>G on the plus strand (A>C on the coding strand, the complement: LDB1 is on the minus strand). VCF-style: chr10-102108254-T-G. GRCh37 (hg19) VCF-style: chr10-103868011-T-G.
Other names: c.1069A>C, p.Thr357Pro (NM_001321612.2); c.967A>C, p.Thr323Pro (NM_003893.5); short protein forms T323P, T357P, T359P.
Identifiers: ClinVar variation 4818739 (VCV004818739.1).